The following is an entry in ClinVar:

ClinVar aggregate classification (germline): Uncertain significance (1 of 4 stars; one submission).

Conditions:
Autosomal recessive limb-girdle muscular dystrophy type 2Y (MRRSDC). Also called: Muscular dystrophy, autosomal recessive, with rigid spine and distal joint contractures; Muscular dystrophy, limb-girdle, type 2y. Identifiers: Orphanet 424261, MedGen C4511482, MONDO:0014900, OMIM 617072.

Allele frequency attached by ClinVar (database versions not stated): gnomAD exomes below 0.00001.
gnomAD v4.1: 4 of 1,613,946 alleles (0.00025%); highest among the groups gnomAD compares: Non-Finnish European, 0.00034%; no homozygotes.

Submission:

Labcorp Genetics (formerly Invitae), Labcorp
Classification: Uncertain significance for Autosomal recessive limb-girdle muscular dystrophy type 2Y. Last evaluated: 2021-04-28. Review status: criteria provided, single submitter. Criteria: Invitae Variant Classification Sherloc (09022015). Collection method: clinical testing. Allele origin: germline.
Comment: In summary, the available evidence is currently insufficient to determine the role of this variant in disease. Therefore, it has been classified as a Variant of Uncertain Significance. Algorithms developed to predict the effect of missense changes on protein structure and function are either unavailable or do not agree on the potential impact of this missense change (SIFT: "Tolerated"; PolyPhen-2: "Possibly Damaging"; Align-GVGD: "Class C0"). This variant has not been reported in the literature in individuals with TOR1AIP1-related conditions. This variant is not present in population databases (ExAC no frequency). This sequence change replaces glutamic acid with glycine at codon 77 of the TOR1AIP1 protein (p.Glu77Gly). The glutamic acid residue is weakly conserved and there is a moderate physicochemical difference between glutamic acid and glycine.

NM_015602.4(TOR1AIP1):c.230A>G (p.Glu77Gly)

Genes: TOR1AIP1 (torsin 1A interacting protein 1; plus strand), LOC112577517 (Sharpr-MPRA regulatory region 13766; plus strand). Cytogenetic location: 1q25.2.
Variant type: single nucleotide variant.
Coding change: c.230A>G on transcript NM_015602.4 (MANE Select); coding-DNA position 230, A replaced by G.
Protein change: p.Glu77Gly; replaces glutamic acid 77 with glycine.
Molecular consequence: missense variant.
Genome position (GRCh38, 1-based): chr1:179,882,732, A>G. VCF-style: chr1-179882732-A-G. GRCh37 (hg19) VCF-style: chr1-179851867-A-G.
Other names: c.230A>G, p.Glu77Gly (NM_001267578.2); short protein forms E77G.
Identifiers: ClinVar variation 1379880 (VCV001379880.8), dbSNP rs1279097987, ClinGen allele CA343577886.